The following is an entry in ClinVar:

NM_006907.4(PYCR1):c.349G>T (p.Val117Phe)

Gene: PYCR1 (pyrroline-5-carboxylate reductase 1; minus strand). Cytogenetic location: 17q25.3.
Variant type: single nucleotide variant.
Coding change: c.349G>T on transcript NM_006907.4 (MANE Select); coding-DNA position 349, G replaced by T.
Protein change: p.Val117Phe; replaces valine 117 with phenylalanine.
Molecular consequence: missense variant.
Genome position (GRCh38, 1-based): chr17:81,935,117, C>A on the plus strand (G>T on the coding strand, the complement: PYCR1 is on the minus strand). VCF-style: chr17-81935117-C-A. GRCh37 (hg19) VCF-style: chr17-79892993-C-A.
Other names: c.349G>T, p.Val117Phe (NM_001282279.2, NM_001282280.2, NM_001330523.2 and 1 more transcripts); c.430G>T, p.Val144Phe (NM_001282281.2); c.349G>T (NM_006907.3); short protein forms V117F, V144F.
Identifiers: ClinVar variation 871527 (VCV000871527.43), dbSNP rs1356658811, ClinGen allele CA401539115.
Genomic context (GRCh38, chr17:81,935,117, plus strand): 5'-TGGCATACACGGTGGCCCCCTCCCGCACCACGACTGGAGTGTTGGTCATGCAGCGGATGA[C>A]CCTGGGGGCTGGCCGAAACGCTGACAGCTTCTGGAAGAGAAACCAGCGTGTCCGTCTGGC-3'
Protein context (NP_008838.2, residues 107-127): KLSAFRPAPR[Val117Phe]IRCMTNTPVV

ClinVar aggregate classification (germline): Pathogenic/Likely pathogenic. Review status: criteria provided, multiple submitters, no conflicts (2 of 4 stars). 3 submissions from 3 submitters: Pathogenic (1); Likely pathogenic (1). 1 of the submissions does not count toward it. Last evaluated 2024-03-05.

Conditions:
PYCR1-related disorder. Also called: PYCR1-related condition.

Allele frequency attached by ClinVar (database versions not stated): gnomAD exomes below 0.00001.

Submissions (3):

Blueprint Genetics
Classification: Likely pathogenic for PYCR1-related disorders. Last evaluated: 2024-03-05. Review status: criteria provided, single submitter. Criteria: ACMG Guidelines, 2015. Collection method: clinical testing. Allele origin: germline. Affected: yes. Observed: 1 variant allele.

CeGaT Center for Human Genetics Tuebingen
Classification: Pathogenic. Last evaluated: 2018-05-01. Review status: criteria provided, single submitter. Criteria: CeGaT Center For Human Genetics Tuebingen Variant Classification Criteria Version 2. Collection method: clinical testing. Allele origin: germline. Affected: yes. Observed: 1 variant allele.

PreventionGenetics, part of Exact Sciences
Classification: Uncertain significance for PYCR1-related condition. Last evaluated: 2023-12-08. Review status: no assertion criteria provided. Collection method: clinical testing. Allele origin: germline. Not counted in ClinVar's aggregate classification.
Comment: The PYCR1 c.349G>T variant is predicted to result in the amino acid substitution p.Val117Phe. This variant has been reported along with a splicing variant (phase unknown or not reported) in an individual with De Barsy syndrome and additional clinical findings of glaucoma, hydroureteronephrosis, clubfoot, and platybasia (Dimopoulou et al. 2013. PubMed ID: 24035636). This variant is reported in 0.0029% of alleles in individuals of Latino descent in gnomAD. At this time, the clinical significance of this variant is uncertain due to the absence of conclusive functional and genetic evidence.